The following is an entry in ClinVar:

NM_001734.5(C1S):c.2007G>T (p.Lys669Asn)

Gene: C1S (complement C1s; plus strand). Cytogenetic location: 12p13.31.
Variant type: single nucleotide variant.
Coding change: c.2007G>T on transcript NM_001734.5 (MANE Select); coding-DNA position 2007, G replaced by T.
Protein change: p.Lys669Asn; replaces lysine 669 with asparagine.
Molecular consequence: missense variant.
Genome position (GRCh38, 1-based): chr12:7,070,591, G>T. VCF-style: chr12-7070591-G-T. GRCh37 (hg19) VCF-style: chr12-7177895-G-T.
Other names: c.1506G>T, p.Lys502Asn (NM_001346850.2); c.2007G>T, p.Lys669Asn (NM_201442.4); short protein forms K502N, K669N.
Identifiers: ClinVar variation 1368825 (VCV001368825.8), dbSNP rs143180187, ClinGen allele CA6423874.

ClinVar aggregate classification (germline): Uncertain significance. Review status: criteria provided, multiple submitters, no conflicts (2 of 4 stars). 3 submissions from 3 submitters: Uncertain significance (3). Last evaluated 2025-10-19.

Conditions:
Ehlers-Danlos syndrome, periodontal type 2. Identifiers: MedGen C4310681, MONDO:0014954, OMIM 617174.

Allele frequency attached by ClinVar (database versions not stated): gnomAD 0.00001; ExAC 0.00002; gnomAD exomes 0.00004 and 0.00006; TOPMed 0.00005; ESP Exome Variant Server 0.00008.

Submissions (3):

Labcorp Genetics (formerly Invitae), Labcorp
Classification: Uncertain significance. Last evaluated: 2025-10-19. Review status: criteria provided, single submitter. Criteria: Invitae Variant Classification Sherloc (09022015). Collection method: clinical testing. Allele origin: germline.
Comment: This sequence change replaces lysine, which is basic and polar, with asparagine, which is neutral and polar, at codon 669 of the C1S protein (p.Lys669Asn). This variant is present in population databases (rs143180187, gnomAD 0.007%). This variant has not been reported in the literature in individuals affected with C1S-related conditions. ClinVar contains an entry for this variant (Variation ID: 1368825). Invitae Evidence Modeling of protein sequence and biophysical properties (such as structural, functional, and spatial information, amino acid conservation, physicochemical variation, residue mobility, and thermodynamic stability) indicates that this missense variant is not expected to disrupt C1S protein function with a negative predictive value of 80%. Algorithms developed to predict the effect of sequence changes on RNA splicing suggest that this variant may create or strengthen a splice site. In summary, the available evidence is currently insufficient to determine the role of this variant in disease. Therefore, it has been classified as a Variant of Uncertain Significance.

Women's Health and Genetics/Laboratory Corporation of America, LabCorp
Classification: Uncertain significance. Last evaluated: 2025-09-09. Review status: criteria provided, single submitter. Criteria: LabCorp Variant Classification Summary - May 2015. Collection method: clinical testing. Allele origin: germline.
Comment: Variant summary: C1S c.2007G>T (p.Lys669Asn) results in a non-conservative amino acid change in the encoded protein sequence. Algorithms developed to predict the effect of missense changes on protein structure and function are either unavailable or do not agree on the potential impact of this missense change. The variant allele was found at a frequency of 4.4e-05 in 251228 control chromosomes. This frequency is not significantly higher than estimated for disease-causing variants in C1S, allowing no conclusion about variant significance. To our knowledge, no occurrence of c.2007G>T in individuals affected with C1S-related conditions and no experimental evidence demonstrating its impact on protein function have been reported. ClinVar contains an entry for this variant (Variation ID: 1368825). Based on the evidence outlined above, the variant was classified as uncertain significance.

Department of Pathology and Laboratory Medicine, Sinai Health System
Classification: Uncertain significance for Ehlers-Danlos syndrome, periodontal type 2. Last evaluated: 2023-01-31. Review status: criteria provided, single submitter. Criteria: ACMG Guidelines, 2015. Collection method: research. Allele origin: germline.